The following is an entry in ClinVar:

ClinVar aggregate classification (germline): Uncertain significance (1 of 4 stars; one submission).

Conditions:
Inborn genetic diseases. Identifiers: MedGen C0950123, MeSH D030342.

gnomAD v4.1: 1 of 1,211,124 alleles (0.000083%); highest among the groups gnomAD compares: Admixed American, 0.0022%; no homozygotes.

Submission:

Ambry Genetics
Classification: Uncertain significance for Inborn genetic diseases. Last evaluated: 2026-05-19. Review status: criteria provided, single submitter. Criteria: Ambry Variant Classification Scheme 2023. Collection method: clinical testing. Allele origin: germline.
Comment: The c.949T>C (p.Y317H) alteration is located in exon 6 (coding exon 6) of the TAF1 gene. This alteration results from a T to C substitution at nucleotide position 949, causing the tyrosine (Y) at amino acid position 317 to be replaced by a histidine (H). Based on data from gnomAD, the C allele has an overall frequency of <0.001% (1/182280) total alleles studied. The highest observed frequency was 0.004% (1/27117) of Latino alleles. Based on insufficient or conflicting evidence, the clinical significance of this alteration remains unclear.

NM_004606.5(TAF1):c.889T>C (p.Tyr297His)

Gene: TAF1 (TATA-box binding protein associated factor 1; plus strand). Cytogenetic location: Xq13.1.
Variant type: single nucleotide variant.
Coding change: c.889T>C on transcript NM_004606.5 (MANE Select); coding-DNA position 889, T replaced by C.
Protein change: p.Tyr297His; replaces tyrosine 297 with histidine.
Molecular consequence: missense variant. On other transcripts: non-coding transcript variant (9).
Genome position (GRCh38, 1-based): chrX:71,377,777, T>C. VCF-style: chrX-71377777-T-C. GRCh37 (hg19) VCF-style: chrX-70597627-T-C.
Other names: c.889T>C, p.Tyr297His (NM_001286074.2, NM_001440852.1, NM_001440853.1); c.826T>C, p.Tyr276His (NM_001440854.1, NM_138923.4); short protein forms Y276H, Y297H.
Identifiers: ClinVar variation 4865290 (VCV004865290.1).